The following is an entry in ClinVar:

NM_006493.4(CLN5):c.50dup (p.Ala19fs)

Genes: CLN5 (CLN5 lysosomal BMP synthase; plus strand), LOC130009913 (ATAC-STARR-seq lymphoblastoid silent region 5414; plus strand). Cytogenetic location: 13q22.3.
Variant type: Duplication.
Coding change: c.50dup on transcript NM_006493.4 (MANE Select); coding-DNA position 50, one base duplicated (C; older notation c.50dupC).
Protein change: p.Ala19fs; shifts the reading frame from alanine 19.
Molecular consequence: frameshift variant.
Genome position (GRCh38, 1-based): chr13:76,992,148, C duplicated. VCF-style (leftmost placement, unchanged base first): chr13-76992147-G-GC. GRCh37 (hg19) VCF-style: chr13-77566282-G-GC.
Other names: c.50dup, p.Ala19fs (NM_001366624.2); short protein forms A19fs.
Identifiers: ClinVar variation 5012171 (VCV005012171.1).
Genomic context (GRCh38, chr13:76,992,147, plus strand): 5'-GGGTGCAGCCTGATGGCGCAGGAGGTAGACACGGCACAGGGCGCCGAGATGCGGCGGGGC[G>GC]CGGGCGCGGCTCGGGGACGCGCTTCCTGGTGCTGGGCCCTGGCGCTGCTTTGGCTCGCGG-3'

ClinVar aggregate classification (germline): Pathogenic (1 of 4 stars; one submission).

Conditions:
Neuronal ceroid lipofuscinosis 5 (CLN5). Also called: CEROID LIPOFUSCINOSIS, NEURONAL, 5, VARIABLE AGE AT ONSET; Neuronal ceroid lipofuscinosis Finnish variant; NEURONAL CEROID LIPOFUSCINOSIS, LATE INFANTILE, FINNISH VARIANT; CLN5-Related Neuronal Ceroid-Lipofuscinosis. Identifiers: Orphanet 168491, Orphanet 228360, MedGen C1850442, MONDO:0009745, OMIM 256731.

Submission:

Myriad Genetics, Inc.
Classification: Pathogenic for Neuronal ceroid lipofuscinosis 5. Last evaluated: 2023-09-27. Review status: criteria provided, single submitter. Criteria: Myriad Autosomal Dominant, Autosomal Recessive and X-Linked Classification Criteria (2023). Collection method: clinical testing. Allele origin: unknown.
Comment: NM_006493.2(CLN5):c.197dupC(A68Rfs*43) is expected to be pathogenic in the context of CLN5-related neuronal ceroid lipofuscinosis. This variant is predicted to lead to an abnormal or absent protein product due to the creation of a premature termination codon in CLN5, a gene where loss-of-function variants are known to be pathogenic. Please note: this variant was assessed in the context of healthy population screening.